The following is an entry in ClinVar:

ClinVar aggregate classification (germline): Pathogenic (1 of 4 stars; one submission).

gnomAD v4.1: 3 of 1,611,912 alleles (0.00019%); highest among the groups gnomAD compares: South Asian, 0.0011%; no homozygotes.

Submission:

Labcorp Genetics (formerly Invitae), Labcorp
Classification: Pathogenic. Last evaluated: 2025-06-05. Review status: criteria provided, single submitter. Criteria: Invitae Variant Classification Sherloc (09022015). Collection method: clinical testing. Allele origin: germline.
Comment: This sequence change creates a premature translational stop signal (p.Arg24*) in the ALB gene. It is expected to result in an absent or disrupted protein product. Loss-of-function variants in ALB are known to be pathogenic (PMID: 12028999). This variant is present in population databases (no rsID available, gnomAD 0.0009%). This variant has not been reported in the literature in individuals affected with ALB-related conditions. For these reasons, this variant has been classified as Pathogenic.

Literature cited by the submitters: PubMed 12028999.

NM_000477.7(ALB):c.70C>T (p.Arg24Ter)

Gene: ALB (albumin; plus strand). Cytogenetic location: 4q13.3.
Variant type: single nucleotide variant.
Coding change: c.70C>T on transcript NM_000477.7 (MANE Select); coding-DNA position 70, C replaced by T.
Protein change: p.Arg24Ter; replaces arginine 24 with a stop codon.
Molecular consequence: nonsense.
Genome position (GRCh38, 1-based): chr4:73,404,397, C>T. VCF-style: chr4-73404397-C-T. GRCh37 (hg19) VCF-style: chr4-74270114-C-T.
Other names: short protein forms R24*.
Identifiers: ClinVar variation 4720501 (VCV004720501.1).
Genomic context (GRCh38, chr4:73,404,397, plus strand): 5'-GTAACCTTTATTTCCCTTCTTTTTCTCTTTAGCTCGGCTTATTCCAGGGGTGTGTTTCGT[C>T]GAGATGCACGTAAGAAATCCATTTTTCTATTGTTCAACTTTTATTCTATTTTCCCAGTAA-3'